The following is an entry in ClinVar:

ClinVar aggregate classification (germline): Uncertain significance (1 of 4 stars; one submission).

Conditions:
Ataxia-telangiectasia syndrome (AT). Also called: LOUIS-BAR SYNDROME; Cerebello-oculocutaneous telangiectasia; Immunodeficiency with ataxia telangiectasia; Ataxia telangiectasia (A-T); Ataxia-telangiectasia, complementation group D; AT, COMPLEMENTATION GROUP C. Identifiers: Orphanet 100, MedGen C0004135, MONDO:0008840, OMIM 208900.

Submission:

Labcorp Genetics (formerly Invitae), Labcorp
Classification: Uncertain significance for Ataxia-telangiectasia syndrome. Last evaluated: 2023-10-23. Review status: criteria provided, single submitter. Criteria: Invitae Variant Classification Sherloc (09022015). Collection method: clinical testing. Allele origin: germline.
Comment: This sequence change replaces proline, which is neutral and non-polar, with threonine, which is neutral and polar, at codon 2907 of the ATM protein (p.Pro2907Thr). This variant is not present in population databases (gnomAD no frequency). This variant has not been reported in the literature in individuals affected with ATM-related conditions. An algorithm developed to predict the effect of missense changes on protein structure and function (PolyPhen-2) suggests that this variant is likely to be disruptive. In summary, the available evidence is currently insufficient to determine the role of this variant in disease. Therefore, it has been classified as a Variant of Uncertain Significance.

NM_000051.4(ATM):c.8719C>A (p.Pro2907Thr)

Genes: ATM (ATM serine/threonine kinase; plus strand), C11orf65 (chromosome 11 open reading frame 65; minus strand). Cytogenetic location: 11q22.3.
Variant type: single nucleotide variant.
Coding change: c.8719C>A on transcript NM_000051.4 (MANE Select); coding-DNA position 8719, C replaced by A.
Protein change: p.Pro2907Thr; replaces proline 2907 with threonine.
Molecular consequence: missense variant. On other transcripts: intron variant (2).
Genome position (GRCh38, 1-based): chr11:108,353,813, C>A. VCF-style: chr11-108353813-C-A. GRCh37 (hg19) VCF-style: chr11-108224540-C-A.
Other names: c.8719C>A, p.Pro2907Thr (NM_001351834.2); c.640+32107G>T (NM_001330368.2); c.695-18521G>T (NM_001351110.2); short protein forms P2907T.
Identifiers: ClinVar variation 2852167 (VCV002852167.3), dbSNP rs2137290046, ClinGen allele CA382523853.
Genomic context (GRCh38, chr11:108,353,813, plus strand): 5'-TTCTTTACTTTAGGTGTTGCTTTTGAACAGGGCAAAATCCTTCCTACTCCTGAGACAGTT[C>A]CTTTTAGACTCACCAGAGATATTGTGGATGGCATGGGCATTACGGGTGTTGAAGGTGTCT-3'
Protein context (NP_000042.3, residues 2897-2917): GKILPTPETV[Pro2907Thr]FRLTRDIVDG